The following is an entry in ClinVar:

NM_005475.3(SH2B3):c.50C>G (p.Ala17Gly)

Gene: SH2B3 (SH2B adaptor protein 3; plus strand). Cytogenetic location: 12q24.12.
Variant type: single nucleotide variant.
Coding change: c.50C>G on transcript NM_005475.3 (MANE Select); coding-DNA position 50, C replaced by G.
Protein change: p.Ala17Gly; replaces alanine 17 with glycine.
Molecular consequence: missense variant.
Genome position (GRCh38, 1-based): chr12:111,418,195, C>G. VCF-style: chr12-111418195-C-G. GRCh37 (hg19) VCF-style: chr12-111855999-C-G.
Other names: short protein forms A17G.
Identifiers: ClinVar variation 4163898 (VCV004163898.1).

ClinVar aggregate classification (germline): Uncertain significance (1 of 4 stars; one submission).

Conditions:
Inborn genetic diseases. Identifiers: MedGen C0950123, MeSH D030342.

Submission:

Ambry Genetics
Classification: Uncertain significance for Inborn genetic diseases. Last evaluated: 2025-06-20. Review status: criteria provided, single submitter. Criteria: Ambry Variant Classification Scheme 2023. Collection method: clinical testing. Allele origin: germline.
Comment: The p.A17G variant (also known as c.50C>G), located in coding exon 1 of the SH2B3 gene, results from a C to G substitution at nucleotide position 50. The alanine at codon 17 is replaced by glycine, an amino acid with similar properties. This amino acid position is conserved. In addition, this alteration is predicted to be tolerated by in silico analysis. Based on the available evidence, the clinical significance of this variant remains unclear.